The following is an entry in ClinVar:

ClinVar aggregate classification (germline): Benign/Likely benign. Review status: criteria provided, multiple submitters, no conflicts (2 of 4 stars). 11 submissions from 11 submitters: Benign (3); Likely benign (6). 2 of the submissions do not count toward it. Last evaluated 2026-06-01.

Conditions:
NBN-related disorder. Also called: NBN-related condition.
Hereditary cancer-predisposing syndrome. Also called: Tumor predisposition; Hereditary neoplastic syndrome; Hereditary Cancer Syndrome; Neoplastic Syndromes, Hereditary. Identifiers: Orphanet 140162, MedGen C0027672, MeSH D009386, MONDO:0015356.
Microcephaly, normal intelligence and immunodeficiency (NBS). Also called: Nijmegen breakage syndrome; BERLIN BREAKAGE SYNDROME; Ataxia telangiectasia variant V1; SEEMANOVA SYNDROME II; IMMUNODEFICIENCY, MICROCEPHALY, AND CHROMOSOMAL INSTABILITY; Immunodeficiency, microcephaly with normal intelligence. Identifiers: Orphanet 647, MedGen C0398791, MONDO:0009623, OMIM 251260.
Malignant tumor of breast. Also called: Cancer breast; Malignant breast neoplasm. Identifiers: MedGen C0006142, MONDO:0007254. Disease mechanism: loss of function.

Allele frequency attached by ClinVar (database versions not stated): gnomAD 0.00001; gnomAD exomes 0.00001 and 0.00002; ExAC 0.00002; TOPMed 0.00002.
gnomAD v4.1: 28 of 1,612,600 alleles (0.0017%); highest among the groups gnomAD compares: East Asian, 0.016%; no homozygotes.

Submissions (11):

CeGaT Center for Human Genetics Tuebingen
Classification: Likely benign. Last evaluated: 2026-06-01. Review status: criteria provided, single submitter. Criteria: CeGaT Center For Human Genetics Tuebingen Variant Classification Criteria Version 2. Collection method: clinical testing. Allele origin: germline. Affected: yes. Observed: 1 variant allele.
Comment: NBN: BP4, BP7

Labcorp Genetics (formerly Invitae), Labcorp
Classification: Benign for Microcephaly, normal intelligence and immunodeficiency. Last evaluated: 2026-02-02. Review status: criteria provided, single submitter. Criteria: Invitae Variant Classification Sherloc (09022015). Collection method: clinical testing. Allele origin: germline.

KCCC/NGS Laboratory, Kuwait Cancer Control Center
Classification: Benign for Microcephaly, normal intelligence and immunodeficiency. Last evaluated: 2025-02-01. Review status: criteria provided, single submitter. Criteria: ACMG Guidelines, 2015. Collection method: clinical testing. Allele origin: germline. Affected: no.

Quest Diagnostics Nichols Institute San Juan Capistrano
Classification: Likely benign. Last evaluated: 2025-01-16. Review status: criteria provided, single submitter. Criteria: Quest Diagnostics criteria. Collection method: clinical testing. Allele origin: unknown.

Blueprint Genetics
Classification: Likely benign. Last evaluated: 2024-10-09. Review status: criteria provided, single submitter. Criteria: ACMG Guidelines, 2015. Collection method: clinical testing. Allele origin: germline.

Sema4
Classification: Likely benign for Hereditary cancer-predisposing syndrome. Last evaluated: 2021-06-07. Review status: criteria provided, single submitter. Criteria: Sema4 Curation Guidelines. Collection method: curation. Allele origin: germline.

Women's Health and Genetics/Laboratory Corporation of America, LabCorp
Classification: Likely benign. Last evaluated: 2019-08-29. Review status: criteria provided, single submitter. Criteria: LabCorp Variant Classification Summary - May 2015. Collection method: clinical testing. Allele origin: germline.

Ambry Genetics
Classification: Likely benign for Hereditary cancer-predisposing syndrome. Last evaluated: 2014-10-08. Review status: criteria provided, single submitter. Criteria: Ambry Variant Classification Scheme 2023. Collection method: clinical testing. Allele origin: germline.

GeneDx
Classification: Benign. Last evaluated: 2014-06-26. Review status: criteria provided, single submitter. Criteria: GeneDx Variant Classification (06012015). Collection method: clinical testing. Allele origin: germline. Affected: yes.
Comment: This variant is considered likely benign or benign based on one or more of the following criteria: it is a conservative change, it occurs at a poorly conserved position in the protein, it is predicted to be benign by multiple in silico algorithms, and/or has population frequency not consistent with disease.

PreventionGenetics, part of Exact Sciences
Classification: Likely benign for NBN-related condition. Last evaluated: 2022-07-14. Review status: no assertion criteria provided. Collection method: clinical testing. Allele origin: germline. Not counted in ClinVar's aggregate classification.
Comment: This variant is classified as likely benign based on ACMG/AMP sequence variant interpretation guidelines (Richards et al. 2015 PMID: 25741868, with internal and published modifications).

Department of Pathology and Laboratory Medicine, Sinai Health System
Classification: Uncertain significance for Malignant tumor of breast. Review status: no assertion criteria provided. Collection method: clinical testing. Allele origin: unknown. Affected: yes. Observed: 1 variant allele. Study: The Canadian Open Genetics Repository (COGR). Not counted in ClinVar's aggregate classification.
Comment: The NBN p.Gln732= variant was not identified in the literature nor was it identified in the LOVD 3.0, or Zhejiang University Database. The variant was identified in dbSNP (ID: rs587780780) as "With Likely benign allele", ClinVar (classified as benign by GeneDx; as likely benign by Invitae, Ambry Genetics, Color Genomics; as uncertain significance by Integrated Genetics/Laboratory Corporation of America), Clinvitae, and in Cosmic (1x in large intestine) databases. The variant was identified in control databases in 5 of 244390 chromosomes at a frequency of 0.00002 (Genome Aggregation Database Feb 27, 2017). The variant was observed in the following populations: Other in 1 of 5436 chromosomes (freq: 0.0002), East Asian in 4 of 17230 chromosomes (freq: 0.0002), while the variant was not observed in the African, Latino, European, Ashkenazi Jewish, Finnish, and South Asian populations. The p.Gln732= variant is not expected to have clinical significance because it does not result in a change of amino acid and is not located in a known consensus splice site. In addition, 4 of 5 in silico or computational prediction software programs (SpliceSiteFinder, MaxEntScan, NNSPLICE, GeneSplicer, HumanSpliceFinder) do not predict a difference in splicing. In summary, based on the above information the clinical significance of this variant cannot be determined with certainty at this time. This variant is classified as a variant of uncertain significance.

Literature cited by the submitters: PubMed 32885271 (cited by Quest Diagnostics Nichols Institute San Juan Capistrano).

NM_002485.5(NBN):c.2196A>G (p.Gln732=)

Gene: NBN (nibrin; minus strand). Cytogenetic location: 8q21.3.
Variant type: single nucleotide variant.
Coding change: c.2196A>G on transcript NM_002485.5 (MANE Select); coding-DNA position 2196, A replaced by G.
Protein change: p.Gln732=; no amino-acid change (glutamine 732 retained).
Molecular consequence: synonymous variant.
Genome position (GRCh38, 1-based): chr8:89,937,064, T>C on the plus strand (A>G on the coding strand, the complement: NBN is on the minus strand). VCF-style: chr8-89937064-T-C. GRCh37 (hg19) VCF-style: chr8-90949292-T-C.
Other names: p.Q732Q:CAA>CAG; c.1950A>G, p.Gln650= (NM_001024688.3).
Identifiers: ClinVar variation 136041 (VCV000136041.30), dbSNP rs587780780, ClinGen allele CA299581.